The following is an entry in ClinVar:

ClinVar aggregate classification (germline): Uncertain significance (1 of 4 stars; one submission).

Submission:

Labcorp Genetics (formerly Invitae), Labcorp
Classification: Uncertain significance. Last evaluated: 2025-06-08. Review status: criteria provided, single submitter. Criteria: Invitae Variant Classification Sherloc (09022015). Collection method: clinical testing. Allele origin: germline.
Comment: This sequence change replaces valine, which is neutral and non-polar, with alanine, which is neutral and non-polar, at codon 200 of the CTR9 protein (p.Val200Ala). This variant is not present in population databases (gnomAD no frequency). This variant has not been reported in the literature in individuals affected with CTR9-related conditions. An algorithm developed to predict the effect of missense changes on protein structure and function (PolyPhen-2) suggests that this variant is likely to be tolerated. In summary, the available evidence is currently insufficient to determine the role of this variant in disease. Therefore, it has been classified as a Variant of Uncertain Significance.

NM_014633.5(CTR9):c.599T>C (p.Val200Ala)

Gene: CTR9 (CTR9 component of Paf1/RNA polymerase II complex; plus strand). Cytogenetic location: 11p15.4.
Variant type: single nucleotide variant.
Coding change: c.599T>C on transcript NM_014633.5 (MANE Select); coding-DNA position 599, T replaced by C.
Protein change: p.Val200Ala; replaces valine 200 with alanine.
Molecular consequence: missense variant.
Genome position (GRCh38, 1-based): chr11:10,760,179, T>C. VCF-style: chr11-10760179-T-C. GRCh37 (hg19) VCF-style: chr11-10781726-T-C.
Other names: c.599T>C, p.Val200Ala (NM_001346279.2); short protein forms V200A.
Identifiers: ClinVar variation 4692751 (VCV004692751.1).